The following is an entry in ClinVar:

ClinVar aggregate classification (germline): Uncertain significance. Review status: criteria provided, multiple submitters, no conflicts (2 of 4 stars). 5 submissions from 5 submitters: Uncertain significance (5). Last evaluated 2024-11-20.

Conditions:
Connective tissue disorder. Also called: Connective tissue disease. Identifiers: MedGen C0009782, MONDO:0003900.
Inborn genetic diseases. Identifiers: MedGen C0950123, MeSH D030342.

Allele frequency attached by ClinVar (database versions not stated): gnomAD 0.00001 and 0.00003; TOPMed 0.00001; gnomAD exomes 0.00002; ExAC 0.00009; 1000 Genomes Project 30x 0.00016; 1000 Genomes Project 0.00020.
gnomAD v4.1: 31 of 1,596,058 alleles (0.0019%); highest among the groups gnomAD compares: Middle Eastern, 0.017%; no homozygotes.

Submissions (5):

Blueprint Genetics
Classification: Uncertain significance. Last evaluated: 2024-11-20. Review status: criteria provided, single submitter. Criteria: ACMG Guidelines, 2015. Collection method: clinical testing. Allele origin: germline.

GeneDx
Classification: Uncertain significance. Last evaluated: 2024-09-10. Review status: criteria provided, single submitter. Criteria: GeneDx Variant Classification Process June 2021. Collection method: clinical testing. Allele origin: germline. Affected: yes.
Comment: Not observed at significant frequency in large population cohorts (gnomAD); In silico analysis indicates that this missense variant does not alter protein structure/function; Has not been previously published as pathogenic or benign to our knowledge

Labcorp Genetics (formerly Invitae), Labcorp
Classification: Uncertain significance. Last evaluated: 2024-02-17. Review status: criteria provided, single submitter. Criteria: Invitae Variant Classification Sherloc (09022015). Collection method: clinical testing. Allele origin: germline.
Comment: This sequence change replaces serine, which is neutral and polar, with arginine, which is basic and polar, at codon 647 of the COL9A1 protein (p.Ser647Arg). This variant is present in population databases (rs200194450, gnomAD 0.01%). This variant has not been reported in the literature in individuals affected with COL9A1-related conditions. ClinVar contains an entry for this variant (Variation ID: 849240). Advanced modeling of protein sequence and biophysical properties (such as structural, functional, and spatial information, amino acid conservation, physicochemical variation, residue mobility, and thermodynamic stability) performed at Invitae indicates that this missense variant is not expected to disrupt COL9A1 protein function with a negative predictive value of 95%. In summary, the available evidence is currently insufficient to determine the role of this variant in disease. Therefore, it has been classified as a Variant of Uncertain Significance.

Genome Diagnostics Laboratory, The Hospital for Sick Children
Classification: Uncertain significance for Connective tissue disorder. Last evaluated: 2021-09-07. Review status: criteria provided, single submitter. Criteria: ACMG Guidelines, 2015. Collection method: clinical testing. Allele origin: germline.

Ambry Genetics
Classification: Uncertain significance for Inborn genetic diseases. Last evaluated: 2021-08-02. Review status: criteria provided, single submitter. Criteria: Ambry Variant Classification Scheme 2023. Collection method: clinical testing. Allele origin: germline.

NM_001851.6(COL9A1):c.1939A>C (p.Ser647Arg)

Gene: COL9A1 (collagen type IX alpha 1 chain; minus strand). Cytogenetic location: 6q13.
Variant type: single nucleotide variant.
Coding change: c.1939A>C on transcript NM_001851.6 (MANE Select); coding-DNA position 1939, A replaced by C.
Protein change: p.Ser647Arg; replaces serine 647 with arginine.
Molecular consequence: missense variant. On other transcripts: non-coding transcript variant (1).
Genome position (GRCh38, 1-based): chr6:70,242,023, T>G on the plus strand (A>C on the coding strand, the complement: COL9A1 is on the minus strand). VCF-style: chr6-70242023-T-G. GRCh37 (hg19) VCF-style: chr6-70951726-T-G.
Other names: c.1240A>C, p.Ser414Arg (NM_001377289.1); c.1210A>C, p.Ser404Arg (NM_001377290.1, NM_078485.4); short protein forms S404R, S414R, S647R.
Identifiers: ClinVar variation 849240 (VCV000849240.15), dbSNP rs200194450, ClinGen allele CA3881946.